The following is an entry in ClinVar:

ClinVar aggregate classification (germline): Likely pathogenic. Review status: criteria provided, multiple submitters, no conflicts (2 of 4 stars). 2 submissions from 2 submitters: Likely pathogenic (2). Last evaluated 2021-06-29.

Conditions:
Leukodystrophy, hypomyelinating, 2. Also called: PELIZAEUS-MERZBACHER-LIKE DISEASE, 1. Identifiers: Orphanet 280270, Orphanet 280282, MedGen C1837355, MONDO:0012125, OMIM 608804.

Submissions (2):

Molecular Diagnostics Lab, Nemours Children's Health, Delaware
Classification: Likely pathogenic for Leukodystrophy, hypomyelinating, 2. Last evaluated: 2021-06-29. Review status: criteria provided, single submitter. Criteria: ACMG Guidelines, 2015. Collection method: clinical testing. Allele origin: unknown. Inheritance: Autosomal recessive inheritance. Affected: yes. Observed: 2 heterozygotes, 2 homozygotes.
Comment: This missense variant (c.755A>G, p.His252Arg) has not been observed in population databases (gnomAD) and has not been reported in the literature. Variant prediction programs suggest a deleterious effect, although no functional studies have been published. It was found in a homozygous state in several affected individuals within in two consanguinous families.

Pathology and Clinical Laboratory Medicine, King Fahad Medical City
Classification: Likely pathogenic for Leukodystrophy, hypomyelinating, 2. Review status: criteria provided, single submitter. Criteria: ACMG Guidelines, 2015. Collection method: clinical testing. Allele origin: germline. Affected: yes. Observed: 1 variant allele.

NM_020435.4(GJC2):c.755A>G (p.His252Arg)

Gene: GJC2 (gap junction protein gamma 2; plus strand). Cytogenetic location: 1q42.13.
Variant type: single nucleotide variant.
Coding change: c.755A>G on transcript NM_020435.4 (MANE Select); coding-DNA position 755, A replaced by G.
Protein change: p.His252Arg; replaces histidine 252 with arginine.
Molecular consequence: missense variant.
Genome position (GRCh38, 1-based): chr1:228,158,513, A>G. VCF-style: chr1-228158513-A-G. GRCh37 (hg19) VCF-style: chr1-228346214-A-G.
Other names: short protein forms H252R.
Identifiers: ClinVar variation 1339505 (VCV001339505.3), dbSNP rs2124966655, ClinGen allele CA345099321.